The following is an entry in ClinVar:

ClinVar aggregate classification (germline): Uncertain significance (1 of 4 stars; one submission).

Submission:

GeneDx
Classification: Uncertain significance. Last evaluated: 2025-06-20. Review status: criteria provided, single submitter. Criteria: GeneDx Variant Classification Process June 2021. Collection method: clinical testing. Allele origin: germline. Affected: yes.
Comment: Not observed at significant frequency in large population cohorts (gnomAD); In silico analysis suggests that this missense variant does not alter protein structure/function; Has not been previously published as pathogenic or benign to our knowledge

NM_012199.5(AGO1):c.484G>T (p.Val162Leu)

Gene: AGO1 (argonaute RISC component 1; plus strand). Cytogenetic location: 1p34.3.
Variant type: single nucleotide variant.
Coding change: c.484G>T on transcript NM_012199.5 (MANE Select); coding-DNA position 484, G replaced by T.
Protein change: p.Val162Leu; replaces valine 162 with leucine.
Molecular consequence: missense variant.
Genome position (GRCh38, 1-based): chr1:35,893,250, G>T. VCF-style: chr1-35893250-G-T. GRCh37 (hg19) VCF-style: chr1-36358851-G-T.
Other names: c.484G>T, p.Val162Leu (NM_001317122.2); c.259G>T, p.Val87Leu (NM_001317123.2); short protein forms V162L, V87L.
Identifiers: ClinVar variation 4538707 (VCV004538707.1).
Genomic context (GRCh38, chr1:35,893,250, plus strand): 5'-CATGAGGCCCTGGTCAGCGGCCAGATCCCTGTTCCCTTGGAGTCTGTGCAAGCCCTGGAT[G>T]TGGCCATGAGGCACCTGGCATCCATGAGGTATTGGGTGTAGTTAGTATCTGGGCTACTAG-3'
Protein context (NP_036331.1, residues 152-172): VPLESVQALD[Val162Leu]AMRHLASMRY